The following is an entry in ClinVar:

ClinVar aggregate classification (germline): Conflicting classifications of pathogenicity. Review status: criteria provided, conflicting classifications (1 of 4 stars). 7 submissions from 7 submitters: Uncertain significance (4); Likely benign (3). Last evaluated 2025-03-06.

Conditions:
Neurologic, endocrine, and pancreatic disease, multisystem, infantile-onset 2 (IMNEPD2). Also called: YARS1 Deficiency. Identifiers: MedGen C5543623, MONDO:0030375, OMIM 619418.
YARS1-related disorder. Also called: YARS1-related condition.
Charcot-Marie-Tooth disease dominant intermediate C (CMTDIC). Also called: CHARCOT-MARIE-TOOTH NEUROPATHY, DOMINANT INTERMEDIATE C. Identifiers: Orphanet 100045, MedGen C1842237, MONDO:0012012, OMIM 608323.

Allele frequency attached by ClinVar (database versions not stated): ExAC 0.00001; gnomAD 0.00001; gnomAD exomes 0.00004 and 0.00002; TOPMed 0.00002.
gnomAD v4.1: 58 of 1,614,006 alleles (0.0036%); highest among the groups gnomAD compares: Middle Eastern, 0.79%; no homozygotes.

Submissions (7):

PreventionGenetics, part of Exact Sciences
Classification: Likely benign for YARS1-related condition. Last evaluated: 2025-03-06. Review status: criteria provided, single submitter. Criteria: ACMG Guidelines, 2015. Collection method: clinical testing. Allele origin: germline.
Comment: This variant is classified as likely benign based on ACMG/AMP sequence variant interpretation guidelines (Richards et al. 2015 PMID: 25741868, with internal and published modifications).

3billion
Classification: Likely benign for Neurologic, endocrine, and pancreatic disease, multisystem, infantile-onset 2. Last evaluated: 2024-09-20. Review status: criteria provided, single submitter. Criteria: ACMG Guidelines, 2015. Collection method: clinical testing. Allele origin: germline. Affected: no.
Comment: The homozygous variant was found in patients diagnosed with another variant in a different gene, with no symptoms related to the gene containing the homozygous variant.

Labcorp Genetics (formerly Invitae), Labcorp
Classification: Uncertain significance for Charcot-Marie-Tooth disease dominant intermediate C. Last evaluated: 2024-05-02. Review status: criteria provided, single submitter. Criteria: Invitae Variant Classification Sherloc (09022015). Collection method: clinical testing. Allele origin: germline.
Comment: This sequence change replaces tyrosine, which is neutral and polar, with aspartic acid, which is acidic and polar, at codon 292 of the YARS protein (p.Tyr292Asp). This variant is present in population databases (rs753211165, gnomAD 0.004%). This variant has not been reported in the literature in individuals affected with YARS-related conditions. ClinVar contains an entry for this variant (Variation ID: 297155). Advanced modeling of protein sequence and biophysical properties (such as structural, functional, and spatial information, amino acid conservation, physicochemical variation, residue mobility, and thermodynamic stability) has been performed at Invitae for this missense variant, however the output from this modeling did not meet the statistical confidence thresholds required to predict the impact of this variant on YARS protein function. In summary, the available evidence is currently insufficient to determine the role of this variant in disease. Therefore, it has been classified as a Variant of Uncertain Significance.

GeneDx
Classification: Uncertain significance. Last evaluated: 2022-05-02. Review status: criteria provided, single submitter. Criteria: GeneDx Variant Classification Process June 2021. Collection method: clinical testing. Allele origin: germline. Affected: yes.
Comment: Not observed at significant frequency in large population cohorts (gnomAD); In silico analysis supports that this missense variant has a deleterious effect on protein structure/function; Has not been previously published as pathogenic or benign to our knowledge; This variant is associated with the following publications: (PMID: 16429158)

Blueprint Genetics
Classification: Likely benign. Last evaluated: 2022-04-25. Review status: criteria provided, single submitter. Criteria: ACMG Guidelines, 2015. Collection method: clinical testing. Allele origin: germline.

Athena Diagnostics
Classification: Uncertain significance. Last evaluated: 2019-08-08. Review status: criteria provided, single submitter. Criteria: Athena Diagnostics Criteria. Collection method: clinical testing. Allele origin: germline.

Illumina Laboratory Services, Illumina
Classification: Uncertain significance for Charcot-Marie-Tooth disease dominant intermediate C. Last evaluated: 2018-01-13. Review status: criteria provided, single submitter. Criteria: ICSL Variant Classification Criteria 13 December 2019. Collection method: clinical testing. Allele origin: germline.

NM_003680.4(YARS1):c.874T>G (p.Tyr292Asp)

Genes: YARS1 (tyrosyl-tRNA synthetase 1; minus strand), LOC126805688 (BRD4-independent group 4 enhancer GRCh37_chr1:33251929-33253128; plus strand). Cytogenetic location: 1p35.1.
Variant type: single nucleotide variant.
Coding change: c.874T>G on transcript NM_003680.4 (MANE Select); coding-DNA position 874, T replaced by G.
Protein change: p.Tyr292Asp; replaces tyrosine 292 with aspartic acid.
Molecular consequence: missense variant.
Genome position (GRCh38, 1-based): chr1:32,786,394, A>C on the plus strand (T>G on the coding strand, the complement: YARS1 is on the minus strand). VCF-style: chr1-32786394-A-C. GRCh37 (hg19) VCF-style: chr1-33251995-A-C.
Other names: chr1:g.32786394A>C; short protein forms Y292D.
Identifiers: ClinVar variation 297155 (VCV000297155.18), dbSNP rs753211165, ClinGen allele CA745067.